The following is an entry in ClinVar:

NM_000292.3(PHKA2):c.3371_3377dup (p.Val1127fs)

Genes: PHKA2 (phosphorylase kinase regulatory subunit alpha 2; minus strand), PHKA2-AS1 (PHKA2 antisense RNA 1; plus strand). Cytogenetic location: Xp22.13.
Variant type: Duplication.
Coding change: c.3371_3377dup on transcript NM_000292.3 (MANE Select); coding-DNA positions 3371 to 3377, 7 bases duplicated (TCGAATC; older notation c.3371_3377dupTCGAATC).
Protein change: p.Val1127fs; shifts the reading frame from valine 1127.
Molecular consequence: frameshift variant. On other transcripts: non-coding transcript variant (1).
Genome position (GRCh38, 1-based): chrX:18,894,364-18,894,370, GATTCGA duplicated on the plus strand (TCGAATC on the coding strand, the reverse complement: PHKA2 is on the minus strand). VCF-style (leftmost placement, unchanged base first): chrX-18894363-C-CGATTCGA. GRCh37 (hg19) VCF-style: chrX-18912481-C-CGATTCGA.
Other names: short protein forms V1127fs.
Identifiers: ClinVar variation 858405 (VCV000858405.9), dbSNP rs2047492720, ClinGen allele CA916083839.

ClinVar aggregate classification (germline): Pathogenic (1 of 4 stars; one submission).

Conditions:
Glycogen storage disease IXa1. Also called: LIVER GLYCOGENOSIS, X-LINKED, TYPE I; GLYCOGEN STORAGE DISEASE VIII; GSD VIII; Glycogen storage disease 8. Identifiers: Orphanet 264580, MedGen C3694531, MONDO:0010598, OMIM 306000.

Submission:

Labcorp Genetics (formerly Invitae), Labcorp
Classification: Pathogenic for Glycogen storage disease IXa1. Last evaluated: 2023-07-14. Review status: criteria provided, single submitter. Criteria: Invitae Variant Classification Sherloc (09022015). Collection method: clinical testing. Allele origin: germline.
Comment: This variant disrupts a region of the PHKA2 protein in which other variant(s) (p.Pro1205Leu) have been determined to be pathogenic (PMID: 7847371, 9870210, 21646031, 21911307, 24055370, 25266922, 28468868). This suggests that this is a clinically significant region of the protein, and that variants that disrupt it are likely to be disease-causing. For these reasons, this variant has been classified as Pathogenic. ClinVar contains an entry for this variant (Variation ID: 858405). This variant has not been reported in the literature in individuals affected with PHKA2-related conditions. This variant is not present in population databases (gnomAD no frequency). This sequence change creates a premature translational stop signal (p.Val1127Argfs*78) in the PHKA2 gene. While this is not anticipated to result in nonsense mediated decay, it is expected to disrupt the last 109 amino acid(s) of the PHKA2 protein.

Literature cited by the submitters: PubMed 7847371; PubMed 9870210; PubMed 21646031; PubMed 21911307; PubMed 24055370; PubMed 25266922; PubMed 28468868.